The following is an entry in ClinVar:

NM_198576.4(AGRN):c.2665G>A (p.Ala889Thr)

Gene: AGRN (agrin; plus strand). Cytogenetic location: 1p36.33.
Variant type: single nucleotide variant.
Coding change: c.2665G>A on transcript NM_198576.4 (MANE Select); coding-DNA position 2665, G replaced by A.
Protein change: p.Ala889Thr; replaces alanine 889 with threonine.
Molecular consequence: missense variant.
Genome position (GRCh38, 1-based): chr1:1,045,861, G>A. VCF-style: chr1-1045861-G-A. GRCh37 (hg19) VCF-style: chr1-981241-G-A.
Other names: c.2665G>A, p.Ala889Thr (NM_001305275.2); c.2350G>A, p.Ala784Thr (NM_001364727.2); short protein forms A784T, A889T.
Identifiers: ClinVar variation 2073474 (VCV002073474.3), dbSNP rs751073264, ClinGen allele CA508734.

ClinVar aggregate classification (germline): Uncertain significance (1 of 4 stars; one submission).

Conditions:
Congenital myasthenic syndrome 8. Also called: Myasthenic syndrome, congenital, 8, with pre- and postsynaptic defects; MYASTHENIC SYNDROME, CONGENITAL, DUE TO AGRIN DEFICIENCY. Identifiers: Orphanet 590, MedGen C3808739, MONDO:0014052, OMIM 615120.

Allele frequency attached by ClinVar (database versions not stated): gnomAD 0.00001; TOPMed 0.00001; gnomAD exomes 0.00002; ExAC 0.00003.
gnomAD v4.1: 23 of 1,610,774 alleles (0.0014%); highest among the groups gnomAD compares: South Asian, 0.0044%; no homozygotes.

Submission:

Labcorp Genetics (formerly Invitae), Labcorp
Classification: Uncertain significance for Congenital myasthenic syndrome 8. Last evaluated: 2022-02-14. Review status: criteria provided, single submitter. Criteria: Invitae Variant Classification Sherloc (09022015). Collection method: clinical testing. Allele origin: germline.
Comment: Algorithms developed to predict the effect of missense changes on protein structure and function output the following: SIFT: "Tolerated"; PolyPhen-2: "Possibly Damaging"; Align-GVGD: "Class C0". The threonine amino acid residue is found in multiple mammalian species, which suggests that this missense change does not adversely affect protein function. This variant has not been reported in the literature in individuals affected with AGRN-related conditions. This variant is present in population databases (rs751073264, gnomAD 0.007%). This sequence change replaces alanine, which is neutral and non-polar, with threonine, which is neutral and polar, at codon 889 of the AGRN protein (p.Ala889Thr). In summary, the available evidence is currently insufficient to determine the role of this variant in disease. Therefore, it has been classified as a Variant of Uncertain Significance.